The following is an entry in ClinVar:

ClinVar aggregate classification (germline): Conflicting classifications of pathogenicity. Review status: criteria provided, conflicting classifications (1 of 4 stars). 3 submissions from 3 submitters: Uncertain significance (2); Likely benign (1). Last evaluated 2024-06-11.

Conditions:
Hemoglobin H disease (HBH). Also called: ALPHA-THALASSEMIA, HEMOGLOBIN H TYPE; HEMOGLOBIN H DISEASE, DELETIONAL; Hemoglobin H (HbH) Disease. Identifiers: Orphanet 93616, MedGen C3161174, MONDO:0013512, OMIM 613978. Disease mechanism: loss of function.
Heinz body anemia. Also called: Heinz body hemolytic anemia. Identifiers: Orphanet 178330, MedGen C0700299, MONDO:0007705, OMIM 140700, HP:0005511.
Erythrocytosis, familial, 7. Also called: ERYTHROCYTOSIS, ALPHA-GLOBIN TYPE; POLYCYTHEMIA, ALPHA-GLOBIN TYPE; ERYTHROCYTOSIS 7. Identifiers: MedGen C4693823, MONDO:0054802, OMIM 617981.
alpha Thalassemia. Also called: Alpha thalassemia spectrum. Identifiers: Orphanet 846, MedGen C0002312, MONDO:0011399, OMIM 604131.

Allele frequency attached by ClinVar (database versions not stated): gnomAD exomes below 0.00001 and 0.00001; ExAC 0.00001.
gnomAD v4.1: 2 of 1,605,728 alleles (0.00012%); highest among the groups gnomAD compares: South Asian, 0.0011%; no homozygotes.

Submissions (3):

Fulgent Genetics
Classification: Uncertain significance for Heinz body anemia; alpha Thalassemia; Hemoglobin H disease; Erythrocytosis, familial, 7. Last evaluated: 2024-06-11. Review status: criteria provided, single submitter. Criteria: ACMG Guidelines, 2015. Collection method: clinical testing. Allele origin: germline.

Quest Diagnostics Nichols Institute San Juan Capistrano
Classification: Uncertain significance. Last evaluated: 2022-12-01. Review status: criteria provided, single submitter. Criteria: Quest Diagnostics criteria. Collection method: clinical testing. Allele origin: unknown.
Comment: The frequency of this variant in the general population, 0.0000081 (2/248256 chromosomes), is uninformative in assessment of its pathogenicity. In vitro studies have shown that Hb Manitoba I is mildly unstable and has reduced dissociation (PMID: 7803274 (1994), 5452728 (1970)). Individuals heterozygous for this variant have a normal clinical presentation, with Hb Manitoba I accounting for 19% of total hemoglobin (PMID: 11791879 (2001), 7803274 (1994), 6547932 (1984), 5452728 (1970)). Analysis of this variant using bioinformatics tools for the prediction of the effect of amino acid changes on protein structure and function yielded conflicting predictions that this variant is deleterious or benign. Based on the available information, we are unable to determine the clinical significance of this variant.

ARUP Laboratories, Molecular Genetics and Genomics, ARUP Laboratories
Classification: Likely benign. Last evaluated: 2022-02-09. Review status: criteria provided, single submitter. Criteria: ARUP Molecular Germline Variant Investigation Process 2021. Collection method: clinical testing. Allele origin: germline.

Literature cited by the submitters: PubMed 11791879 (cited by Quest Diagnostics Nichols Institute San Juan Capistrano); PubMed 5452728 (cited by Quest Diagnostics Nichols Institute San Juan Capistrano); PubMed 6547932 (cited by Quest Diagnostics Nichols Institute San Juan Capistrano); PubMed 7803274 (cited by Quest Diagnostics Nichols Institute San Juan Capistrano); PubMed 31553106 (cited by Quest Diagnostics Nichols Institute San Juan Capistrano).

NM_000517.6(HBA2):c.307A>C (p.Ser103Arg)

Genes: HBA2 (hemoglobin subunit alpha 2; plus strand), LOC106804612 (hemoglobin subunit alpha 2 recombination region; plus strand). Cytogenetic location: 16p13.3.
Variant type: single nucleotide variant.
Coding change: c.307A>C on transcript NM_000517.6 (MANE Select); coding-DNA position 307, A replaced by C.
Protein change: p.Ser103Arg; replaces serine 103 with arginine.
Molecular consequence: missense variant.
Genome position (GRCh38, 1-based): chr16:173,478, A>C. VCF-style: chr16-173478-A-C. GRCh37 (hg19) VCF-style: chr16-223477-A-C.
Other names: c.307A>C (NM_000517.4); short protein forms S103R.
Identifiers: ClinVar variation 1330535 (VCV001330535.10), dbSNP rs41321052, ClinGen allele CA7770172.